The following is an entry in ClinVar:

NM_006846.4(SPINK5):c.2423_2425del (p.Thr808del)

Gene: SPINK5 (serine peptidase inhibitor Kazal type 5; plus strand). Cytogenetic location: 5q32.
Variant type: Deletion.
Coding change: c.2423_2425del on transcript NM_006846.4 (MANE Select); coding-DNA positions 2423 to 2425, 3 bases deleted (CTA; older notation c.2423_2425delCTA).
Protein change: p.Thr808del; deletes threonine 808.
Molecular consequence: inframe deletion.
Genome position (GRCh38, 1-based): chr5:148,120,118-148,120,120, CTA deleted; deleting any 3 consecutive bases within chr5:148,120,116-148,120,120 gives the same sequence; the c. name uses the placement nearest the transcript's 3' end. VCF-style (leftmost placement, unchanged base first): chr5-148120115-GTAC-G. GRCh37 (hg19) VCF-style: chr5-147499678-GTAC-G.
Other names: c.2423_2425del, p.Thr808del (NM_001127698.2, NM_001127699.2); short protein forms T808del.
Identifiers: ClinVar variation 2844964 (VCV002844964.3), dbSNP rs2531787857, ClinGen allele CA2739275139.
Genomic context (GRCh38, chr5:148,120,115, plus strand): 5'-TCTGCACTCGAGAAAGTGACCCTGTCCGGGGTCCAGATGGCAAGACACATGGCAATAAGT[GTAC>G]TATGTGTAAGGAAAAACTGTGAGTATGTTTCAAAATGAGCTTTTGACTGTGAGTCTTAAA-3'

ClinVar aggregate classification (germline): Pathogenic (1 of 4 stars; one submission).

Conditions:
Ichthyosis linearis circumflexa. Identifiers: MedGen C0265962, MONDO:0043106, HP:0025810.

Submission:

Labcorp Genetics (formerly Invitae), Labcorp
Classification: Pathogenic for Ichthyosis linearis circumflexa. Last evaluated: 2023-03-11. Review status: criteria provided, single submitter. Criteria: Invitae Variant Classification Sherloc (09022015). Collection method: clinical testing. Allele origin: germline.
Comment: This variant has not been reported in the literature in individuals affected with SPINK5-related conditions. For these reasons, this variant has been classified as Pathogenic. This variant disrupts a region of the SPINK5 protein in which other variant(s) (p.Thr808Ile) have been determined to be pathogenic (PMID: 17415575, 27988933, 28943498). This suggests that this is a clinically significant region of the protein, and that variants that disrupt it are likely to be disease-causing. Algorithms developed to predict the effect of sequence changes on RNA splicing suggest that this variant may create or strengthen a splice site. This variant is not present in population databases (gnomAD no frequency). This variant, c.2423_2425del, results in the deletion of 1 amino acid(s) of the SPINK5 protein (p.Thr808del), but otherwise preserves the integrity of the reading frame.

Literature cited by the submitters: PubMed 17415575; PubMed 27988933; PubMed 28943498.